The following is an entry in ClinVar:

ClinVar aggregate classification (germline): Likely benign. Review status: criteria provided, multiple submitters, no conflicts (2 of 4 stars). 2 submissions from 2 submitters: Likely benign (2). Last evaluated 2026-07-22.

Conditions:
CD151-related disorder. Also called: CD151-related condition.

Allele frequency attached by ClinVar (database versions not stated): gnomAD exomes 0.00001; ExAC 0.00002; gnomAD 0.00002; TOPMed 0.00003; ESP Exome Variant Server 0.00008.

Submissions (2):

PreventionGenetics, part of Exact Sciences
Classification: Likely benign for CD151-related condition. Last evaluated: 2026-07-22. Review status: criteria provided, single submitter. Criteria: ACMG Guidelines, 2015. Collection method: clinical testing. Allele origin: germline.
Comment: This variant is classified as likely benign based on ACMG/AMP sequence variant interpretation guidelines (Richards et al. 2015 PMID: 25741868, with internal and published modifications).

Labcorp Genetics (formerly Invitae), Labcorp
Classification: Likely benign. Last evaluated: 2022-07-23. Review status: criteria provided, single submitter. Criteria: Invitae Variant Classification Sherloc (09022015). Collection method: clinical testing. Allele origin: germline.

NM_004357.5(CD151):c.723G>A (p.Thr241=)

Gene: CD151 (CD151 molecule (Raph blood group); plus strand). Cytogenetic location: 11p15.5.
Variant type: single nucleotide variant.
Coding change: c.723G>A on transcript NM_004357.5 (MANE Select); coding-DNA position 723, G replaced by A.
Protein change: p.Thr241=; no amino-acid change (threonine 241 retained).
Molecular consequence: synonymous variant.
Genome position (GRCh38, 1-based): chr11:838,153, G>A. VCF-style: chr11-838153-G-A. GRCh37 (hg19) VCF-style: chr11-838153-G-A.
Other names: c.723G>A, p.Thr241= (NM_001039490.2, NM_139029.2, NM_139030.4); c.723G>A (NM_004357.4).
Identifiers: ClinVar variation 2202204 (VCV002202204.5), dbSNP rs370569958, ClinGen allele CA5792365.
Genomic context (GRCh38, chr11:838,153, plus strand): 5'-CCCATGACGTCTGCTTACGCCCACCCGGCTCTGCACACAGGTCTTTGGCATGATCTTCAC[G>A]TGCTGCCTGTACAGGAGTCTCAAGCTGGAGCACTACTGACCCTGCCTTGGGCCTTGCTGC-3'
Protein context (NP_004348.2, residues 231-251): ACVQVFGMIF[Thr241=]CCLYRSLKLE